The following is an entry in ClinVar:

NM_032188.3(KAT8):c.295C>T (p.Arg99Trp)

Gene: KAT8 (lysine acetyltransferase 8; plus strand). Cytogenetic location: 16p11.2.
Variant type: single nucleotide variant.
Coding change: c.295C>T on transcript NM_032188.3 (MANE Select); coding-DNA position 295, C replaced by T.
Protein change: p.Arg99Trp; replaces arginine 99 with tryptophan.
Molecular consequence: missense variant.
Genome position (GRCh38, 1-based): chr16:31,120,347, C>T. VCF-style: chr16-31120347-C-T. GRCh37 (hg19) VCF-style: chr16-31131668-C-T.
Other names: c.295C>T, p.Arg99Trp (NM_182958.4); short protein forms R99W.
Identifiers: ClinVar variation 3253327 (VCV003253327.3), dbSNP rs2544163458.
Genomic context (GRCh38, chr16:31,120,347, plus strand): 5'-GGGTGCAGGGAGTTGGCTGCCCTGGCAGCACTCTTATGGCCCATACTTACAGTTAACCGG[C>T]GGCTGGACGAGTGGGTAGACAAGAACCGGCTGGCGCTGACCAAGACAGTGAAGGATGCTG-3'
Protein context (NP_115564.2, residues 89-109): FYVHYVGFNR[Arg99Trp]LDEWVDKNRL

ClinVar aggregate classification (germline): Conflicting classifications of pathogenicity. Review status: criteria provided, conflicting classifications (1 of 4 stars). 2 submissions from 2 submitters: Pathogenic (1); Uncertain significance (1). Last evaluated 2025-10-22.

Submissions (2):

Dasa
Classification: Uncertain significance. Last evaluated: 2025-10-22. Review status: criteria provided, single submitter. Criteria: DASA Assertion Criteria. Collection method: clinical testing. Allele origin: germline.
Comment: NM_032188.3(KAT8):c.295C>T (p.Arg99Trp) is a missense variant that results in the substitution of arginine with tryptophan. The affected residue or protein region has prior evidence supporting clinical relevance. This variant has been reported in individuals with KAT8-related disorders. Also, this variant is absent from population databases. The currently available literature and clinical evidence are not sufficient to establish a definitive association between this variant and the reported condition. Therefore, this variant is classified as a variant of uncertain significance.

GeneDx
Classification: Pathogenic. Last evaluated: 2024-07-11. Review status: criteria provided, single submitter. Criteria: GeneDx Variant Classification Process June 2021. Collection method: clinical testing. Allele origin: germline. Affected: yes.
Comment: Published functional studies demonstrate a damaging effect on acetylation activity (PMID: 38135180); Not observed at significant frequency in large population cohorts (gnomAD); In silico analysis supports that this missense variant has a deleterious effect on protein structure/function; This variant is associated with the following publications: (PMID: 38135180)